The following is an entry in ClinVar:

NM_001379200.1(TBX1):c.1149_1150insAGGGCCGGC (p.Pro383_Gly384insArgAlaGly)

Gene: TBX1 (T-box transcription factor 1; plus strand). Cytogenetic location: 22q11.21.
Variant type: Insertion.
Coding change: c.1149_1150insAGGGCCGGC on transcript NM_001379200.1 (MANE Select); coding-DNA positions 1149 to 1150, AGGGCCGGC inserted.
Protein change: p.Pro383_Gly384insArgAlaGly.
Molecular consequence: inframe insertion. On other transcripts: intron variant (2).
Genome position: GRCh38 VCF-style: chr22-19766500-C-CCAGGGCCGG. GRCh37 (hg19) VCF-style: chr22-19754023-C-CCAGGGCCGG.
Other names: c.1122_1123insAGGGCCGGC, p.Pro374_Gly375insArgAlaGly (NM_080647.1); c.1009+499_1009+500insAGGGCCGGC (NM_005992.1, NM_080646.2).
Identifiers: ClinVar variation 858922 (VCV000858922.11), dbSNP rs1192078635, ClinGen allele CA751463141.

ClinVar aggregate classification (germline): Uncertain significance. Review status: criteria provided, multiple submitters, no conflicts (2 of 4 stars). 2 submissions from 2 submitters: Uncertain significance (2). Last evaluated 2024-08-20.

Conditions:
DiGeorge syndrome. Also called: THIRD AND FOURTH PHARYNGEAL POUCH SYNDROME; Catch22. Identifiers: Orphanet 567, MedGen C0012236, MONDO:0008564, OMIM 188400.
Conotruncal heart malformations (CTHM). Also called: Conotruncal heart malformations, variable. Identifiers: Orphanet 2445, Orphanet 3384, Orphanet 3426, MedGen C1857586, MONDO:0016581, OMIM 217095.
Velocardiofacial syndrome (VCFS). Also called: Shprintzen syndrome; SHPRINTZEN VCF SYNDROME; VCF SYNDROME. Identifiers: Orphanet 567, MedGen C0220704, MONDO:0008644, OMIM 192430. Disease mechanism: loss of function.
Tetralogy of Fallot (TOF). Identifiers: Orphanet 3303, MedGen C0039685, MONDO:0008542, OMIM 187500, HP:0001636.

Submissions (2):

Labcorp Genetics (formerly Invitae), Labcorp
Classification: Uncertain significance for DiGeorge syndrome. Last evaluated: 2024-08-20. Review status: criteria provided, single submitter. Criteria: Invitae Variant Classification Sherloc (09022015). Collection method: clinical testing. Allele origin: germline.
Comment: This variant, c.1122_1123insAGGGCCGGC, results in the insertion of 3 amino acid(s) of the TBX1 protein (p.Pro374_Gly375insArgAlaGly), but otherwise preserves the integrity of the reading frame. This variant is not present in population databases (gnomAD no frequency). This variant has been observed in individual(s) with TBX1-related conditions (Invitae). This variant has been observed in at least one individual who was not affected with TBX1-related conditions (Invitae). ClinVar contains an entry for this variant (Variation ID: 858922). Experimental studies and prediction algorithms are not available or were not evaluated, and the functional significance of this variant is currently unknown. In summary, the available evidence is currently insufficient to determine the role of this variant in disease. Therefore, it has been classified as a Variant of Uncertain Significance.

New York Genome Center
Classification: Uncertain significance for DiGeorge syndrome; Velocardiofacial syndrome; Conotruncal heart malformations; Tetralogy of Fallot. Last evaluated: 2021-05-21. Review status: criteria provided, single submitter. Criteria: NYGC Assertion Criteria 2020. Collection method: clinical testing. Allele origin: inherited. Observed: 1 heterozygote. Study: CSER-NYCKidSeq.
Comment: The inherited c.1122_1123insAGGGCCGGC (p.Pro374_Gly375insArgAlaGly) variant identified in the TBX1 gene is the insertion of 9 nucleotides, which is predicted to lead to the in-frame insertion of 3 amino acids, Arginine, Alanine, Glycine, at amino acid 374-375/496. This variant is absent from gnomAD(v3.1.1) suggesting it is not a common benign variant in the populations represented in that database, although other in-frame insertions and deletions are present in this region. The c.1122_1123insAGGGCCGGC (p.Pro374_Gly375insArgAlaGly) variant is reported in ClinVar as a Variant of Uncertain Significance (VarID:858922) and to our current knowledge has not been reported in affected individuals in the literature. The p.Pro374-Gly375 residues are not within a mapped domain of TBX1 (UniProtKB:O43435). Given the lack of compelling evidence for its pathogenicity, the inherited c.1122_1123insAGGGCCGGC (p.Pro374_Gly375insArgAlaGly) variant identified in the TBX1 gene is reported as a Variant of Uncertain Significance.